The following is an entry in ClinVar:

Conditions:
Breast-ovarian cancer, familial, susceptibility to, 1 (BROVCA1). Also called: BRCA1 Hereditary Breast and Ovarian Cancer; OVARIAN CANCER, SUSCEPTIBILITY TO. Identifiers: Orphanet 145, MedGen C2676676, MONDO:0011450, OMIM 604370. Disease mechanism: loss of function.

Submission:

Brotman Baty Institute, University of Washington
No classification provided (evidence only). Condition: Breast-ovarian cancer, familial 1. Review status: no classification provided. Collection method: in vitro. Allele origin: not applicable. Functional consequence: functionally_normal.
ClinVar note: "not provided" was previously submitted as the classification for the variant. However, the classification appeared to be based only on an observation of functional data so it was converted to no classification on 2025-07-30.

NM_007294.4(BRCA1):c.5471T>G (p.Ile1824Ser)

Gene: BRCA1 (BRCA1 DNA repair associated; minus strand). Cytogenetic location: 17q21.31.
Variant type: single nucleotide variant.
Coding change: c.5471T>G on transcript NM_007294.4 (MANE Select); coding-DNA position 5471, T replaced by G.
Protein change: p.Ile1824Ser; replaces isoleucine 1824 with serine.
Molecular consequence: missense variant. On other transcripts: non-coding transcript variant (1).
Genome position (GRCh38, 1-based): chr17:43,045,799, A>C on the plus strand (T>G on the coding strand, the complement: BRCA1 is on the minus strand). VCF-style: chr17-43045799-A-C. GRCh37 (hg19) VCF-style: chr17-41197816-A-C.
Other names: c.5471T>G, p.Ile1824Ser (NM_001407597.1, NM_001407598.1, NM_001407602.1 and 5 more transcripts); c.5468T>G, p.Ile1823Ser (NM_001407610.1, NM_001407611.1, NM_001407612.1 and 14 more transcripts); c.5465T>G, p.Ile1822Ser (NM_001407627.1, NM_001407628.1, NM_001407629.1 and 13 more transcripts); c.5462T>G, p.Ile1821Ser (NM_001407644.1, NM_001407645.1); c.5459T>G, p.Ile1820Ser (NM_001407646.1); c.5456T>G, p.Ile1819Ser (NM_001407647.1); c.5414T>G, p.Ile1805Ser (NM_001407648.1); c.5411T>G, p.Ile1804Ser (NM_001407649.1); and 83 more; short protein forms I720S, N695K, I1824S, I1845S, I1777S, I1670S, I1695S, I1696S.
Identifiers: ClinVar variation 867579 (VCV000867579.3), dbSNP rs1301025671, ClinGen allele CA10590394.